The following is an entry in ClinVar:

NM_001165963.4(SCN1A):c.3550G>A (p.Gly1184Ser)

Genes: SCN1A (sodium voltage-gated channel alpha subunit 1; minus strand), LOC102724058 (uncharacterized LOC102724058; plus strand). Cytogenetic location: 2q24.3.
Variant type: single nucleotide variant.
Coding change: c.3550G>A on transcript NM_001165963.4 (MANE Select); coding-DNA position 3550, G replaced by A.
Protein change: p.Gly1184Ser; replaces glycine 1184 with serine.
Molecular consequence: missense variant. On other transcripts: non-coding transcript variant (1).
Genome position (GRCh38, 1-based): chr2:166,015,607, C>T on the plus strand (G>A on the coding strand, the complement: SCN1A is on the minus strand). VCF-style: chr2-166015607-C-T. GRCh37 (hg19) VCF-style: chr2-166872117-C-T.
Other names: c.3466G>A, p.Gly1156Ser (NM_001165964.3, NM_001353957.2, NM_001353958.2); c.3550G>A, p.Gly1184Ser (NM_001202435.3, NM_001353948.2); c.3517G>A, p.Gly1173Ser (NM_001353949.2, NM_001353950.2, NM_001353951.2 and 2 more transcripts); c.3514G>A, p.Gly1172Ser (NM_001353954.2, NM_001353955.2); c.3463G>A, p.Gly1155Ser (NM_001353960.2); c.1108G>A, p.Gly370Ser (NM_001353961.2); short protein forms G1173S, G1156S, G1184S, G1155S, G1172S, G370S.
Identifiers: ClinVar variation 3726776 (VCV003726776.2), dbSNP rs267598968.

ClinVar aggregate classification (germline): Uncertain significance (1 of 4 stars; one submission).

Conditions:
Early-infantile DEE. Also called: Early infantile epileptic encephalopathy; Ohtahara syndrome; Early infantile epileptic encephalopathy with suppression bursts. Identifiers: Orphanet 1934, MedGen C0393706, MONDO:0800491.

Submission:

Labcorp Genetics (formerly Invitae), Labcorp
Classification: Uncertain significance for Early-infantile DEE. Last evaluated: 2025-01-12. Review status: criteria provided, single submitter. Criteria: Invitae Variant Classification Sherloc (09022015). Collection method: clinical testing. Allele origin: germline.
Comment: This sequence change replaces glycine, which is neutral and non-polar, with serine, which is neutral and polar, at codon 1184 of the SCN1A protein (p.Gly1184Ser). This variant also falls at the last nucleotide of exon 17, which is part of the consensus splice site for this exon. This variant is not present in population databases (gnomAD no frequency). This variant has not been reported in the literature in individuals affected with SCN1A-related conditions. An algorithm developed to predict the effect of missense changes on protein structure and function (PolyPhen-2) suggests that this variant is likely to be disruptive. Variants that disrupt the consensus splice site are a relatively common cause of aberrant splicing (PMID: 17576681, 9536098). Algorithms developed to predict the effect of sequence changes on RNA splicing suggest that this variant may disrupt the consensus splice site. In summary, the available evidence is currently insufficient to determine the role of this variant in disease. Therefore, it has been classified as a Variant of Uncertain Significance.

Literature cited by the submitters: PubMed 17576681; PubMed 9536098.